The following is an entry in ClinVar:

ClinVar aggregate classification (germline): Uncertain significance (1 of 4 stars; one submission).

Conditions:
Hyperkalemic periodic paralysis. Also called: Familial hyperkalemic periodic paralysis; Gamstorp disease. Identifiers: Orphanet 682, MedGen C0238357, MONDO:0008224, OMIM 170500, HP:0007215.

Submission:

Labcorp Genetics (formerly Invitae), Labcorp
Classification: Uncertain significance for Hyperkalemic periodic paralysis. Last evaluated: 2022-03-15. Review status: criteria provided, single submitter. Criteria: Invitae Variant Classification Sherloc (09022015). Collection method: clinical testing. Allele origin: germline.
Comment: This variant has not been reported in the literature in individuals affected with SCN4A-related conditions. This variant is not present in population databases (gnomAD no frequency). This sequence change replaces methionine, which is neutral and non-polar, with isoleucine, which is neutral and non-polar, at codon 1080 of the SCN4A protein (p.Met1080Ile). Algorithms developed to predict the effect of missense changes on protein structure and function are either unavailable or do not agree on the potential impact of this missense change (SIFT: "Deleterious"; PolyPhen-2: "Probably Damaging"; Align-GVGD: "Class C0"). In summary, the available evidence is currently insufficient to determine the role of this variant in disease. Therefore, it has been classified as a Variant of Uncertain Significance.

NM_000334.4(SCN4A):c.3240G>T (p.Met1080Ile)

Genes: GH-LCR (growth hormone locus control region; plus strand), SCN4A (sodium voltage-gated channel alpha subunit 4; minus strand). Cytogenetic location: 17q23.3.
Variant type: single nucleotide variant.
Coding change: c.3240G>T on transcript NM_000334.4 (MANE Select); coding-DNA position 3240, G replaced by T.
Protein change: p.Met1080Ile; replaces methionine 1080 with isoleucine.
Molecular consequence: missense variant.
Genome position (GRCh38, 1-based): chr17:63,947,968, C>A on the plus strand (G>T on the coding strand, the complement: SCN4A is on the minus strand). VCF-style: chr17-63947968-C-A. GRCh37 (hg19) VCF-style: chr17-62025328-C-A.
Other names: short protein forms M1080I.
Identifiers: ClinVar variation 2069735 (VCV002069735.4), dbSNP rs2144782622, ClinGen allele CA400621100.